The following is an entry in ClinVar:

ClinVar aggregate classification (germline): Uncertain significance. Review status: criteria provided, single submitter (1 of 4 stars). 2 submissions from 2 submitters: Uncertain significance (1). 1 of the submissions does not count toward it. Last evaluated 2018-01-12.

Conditions:
GNRHR-related disorder. Also called: GNRHR-related condition.
Hypogonadotropic hypogonadism 7 with or without anosmia (HH7). Also called: HYPOGONADOTROPIC HYPOGONADISM 7 WITHOUT ANOSMIA; GNRHR-Related GnRH Deficiency. Identifiers: Orphanet 432, MedGen C0342384, MONDO:0007794, OMIM 146110.

Allele frequency attached by ClinVar (database versions not stated): gnomAD exomes 0.00012; ExAC 0.00014; 1000 Genomes Project 0.00040; gnomAD 0.00045 and 0.00050; TOPMed 0.00047; 1000 Genomes Project 30x 0.00062; ESP Exome Variant Server 0.00077.

Submissions (2):

Illumina Laboratory Services, Illumina
Classification: Uncertain significance for Hypogonadotropic hypogonadism 7 with or without anosmia. Last evaluated: 2018-01-12. Review status: criteria provided, single submitter. Criteria: ICSL Variant Classification Criteria 13 December 2019. Collection method: clinical testing. Allele origin: germline.

PreventionGenetics, part of Exact Sciences
Classification: Likely benign for GNRHR-related condition. Last evaluated: 2023-03-07. Review status: no assertion criteria provided. Collection method: clinical testing. Allele origin: germline. Not counted in ClinVar's aggregate classification.
Comment: This variant is classified as likely benign based on ACMG/AMP sequence variant interpretation guidelines (Richards et al. 2015 PMID: 25741868, with internal and published modifications).

NM_000406.3(GNRHR):c.576T>C (p.Val192=)

Gene: GNRHR (gonadotropin releasing hormone receptor; minus strand). Cytogenetic location: 4q13.2.
Variant type: single nucleotide variant.
Coding change: c.576T>C on transcript NM_000406.3 (MANE Select); coding-DNA position 576, T replaced by C.
Protein change: p.Val192=; no amino-acid change (valine 192 retained).
Molecular consequence: synonymous variant. On other transcripts: intron variant (1).
Genome position (GRCh38, 1-based): chr4:67,744,734, A>G on the plus strand (T>C on the coding strand, the complement: GNRHR is on the minus strand). VCF-style: chr4-67744734-A-G. GRCh37 (hg19) VCF-style: chr4-68610452-A-G.
Other names: c.523-75T>C (NM_001012763.2).
Identifiers: ClinVar variation 904092 (VCV000904092.6), dbSNP rs147822774, ClinGen allele CA2938906.